The following is an entry in ClinVar:

NM_014467.3(SRPX2):c.160C>T (p.Arg54Ter)

Gene: SRPX2 (sushi repeat containing protein X-linked 2; plus strand). Cytogenetic location: Xq22.1.
Variant type: single nucleotide variant.
Coding change: c.160C>T on transcript NM_014467.3 (MANE Select); coding-DNA position 160, C replaced by T.
Protein change: p.Arg54Ter; replaces arginine 54 with a stop codon.
Molecular consequence: nonsense.
Genome position (GRCh38, 1-based): chrX:100,650,862, C>T. VCF-style: chrX-100650862-C-T. GRCh37 (hg19) VCF-style: chrX-99905859-C-T.
Other names: short protein forms R54*.
Identifiers: ClinVar variation 1312330 (VCV001312330.3), dbSNP rs772122754, ClinGen allele CA10469427.

ClinVar aggregate classification (germline): Uncertain significance (1 of 4 stars; one submission).

Submission:

GeneDx
Classification: Uncertain significance. Last evaluated: 2024-08-27. Review status: criteria provided, single submitter. Criteria: GeneDx Variant Classification Process June 2021. Collection method: clinical testing. Allele origin: germline. Affected: yes.
Comment: Not observed at significant frequency in large population cohorts (gnomAD); Nonsense variant predicted to result in protein truncation or nonsense mediated decay in a gene or region of a gene for which loss of function is not a well-established mechanism of disease; Has not been previously published as pathogenic or benign to our knowledge; Variants in candidate genes are classified as variants of uncertain significance in accordance with ACMG guidelines (PMID: 25741868)